The following is an entry in ClinVar:

ClinVar aggregate classification (germline): Conflicting classifications of pathogenicity. Review status: criteria provided, conflicting classifications (1 of 4 stars). 8 submissions from 8 submitters: Pathogenic (1); Likely pathogenic (6); Uncertain significance (1). Last evaluated 2026-03-31.

Conditions:
BTD-related disorder. Also called: BTD-related condition.
Biotinidase deficiency. Also called: Biotin deficiency; BTD deficiency; Late-onset biotin-responsive multiple carboxylase deficiency. Identifiers: Orphanet 79241, MedGen C0220754, MONDO:0009665, OMIM 253260.

Allele frequency attached by ClinVar (database versions not stated): TOPMed 0.00001.

Submissions (8):

Myriad Genetics, Inc.
Classification: Likely pathogenic for Biotinidase deficiency. Last evaluated: 2026-03-31. Review status: criteria provided, single submitter. Criteria: Myriad Autosomal Dominant, Autosomal Recessive and X-Linked Classification Criteria (2023). Collection method: clinical testing. Allele origin: unknown.
Comment: NM_000060.2(BTD):c.605A>T(N202I) is a missense variant classified as likely pathogenic in the context of biotinidase deficiency. N202I has been observed in cases with relevant disease (PMID: 20224900, 33123633, Karaoglan_2024_ (Article)). Relevant functional assessments of this variant are not available in the literature. N202I has not been observed in referenced population frequency databases. In summary, NM_000060.2(BTD):c.605A>T(N202I) is a missense variant that has been observed more frequently in cases with the relevant disease than in healthy populations. Please note: this variant was assessed in the context of healthy population screening.

PreventionGenetics, part of Exact Sciences
Classification: Likely pathogenic for BTD-related condition. Last evaluated: 2025-09-26. Review status: criteria provided, single submitter. Criteria: ACMG Guidelines, 2015. Collection method: clinical testing. Allele origin: germline.
Comment: The BTD c.605A>T variant is predicted to result in the amino acid substitution p.Asn202Ile. This variant has been reported, in the compound heterozygous state with different pathogenic variants, in two related individuals (i.e. mother and child) with reduced biotinidase activity. Based on the second variants identified and the residual enzyme activity level in these individuals, the authors considered the c.605A>T (p.Asn202Ile) variant to be less severe (Ohlsson et al. 2010. PubMed ID: 20224900). This variant has not been reported in a large population database (gnomAD), indicating this variant is rare. This variant is interpreted as likely pathogenic.

Natera, Inc.
Classification: Likely pathogenic for Biotinidase deficiency. Last evaluated: 2025-09-22. Review status: criteria provided, single submitter. Criteria: Natera Variant Classification Schema (03/2026). Collection method: clinical testing. Allele origin: germline.
Comment: The c.545A>T variant in BTD is a missense variant predicted to cause substitution of asparagine to isoleucine at amino acid 182. This variant is rare in the general population with a frequency below the threshold expected for the associated phenotype(s). This variant has been observed in one or more individuals affected with the associated recessive disease, as either homozygous or compound heterozygous with a second variant (PMID: 33123633, 20224900). Functional studies show that this variant may disrupt protein function (PMID: 33123633). Multiple computational prediction algorithms suggest this variant is unlikely to affect gene or protein function. Given the available evidence, this variant is classified as Likely Pathogenic.

Labcorp Genetics (formerly Invitae), Labcorp
Classification: Pathogenic for Biotinidase deficiency. Last evaluated: 2025-07-02. Review status: criteria provided, single submitter. Criteria: Invitae Variant Classification Sherloc (09022015). Collection method: clinical testing. Allele origin: germline.
Comment: This sequence change replaces asparagine, which is neutral and polar, with isoleucine, which is neutral and non-polar, at codon 202 of the BTD protein (p.Asn202Ile). This variant is not present in population databases (gnomAD no frequency). This missense change has been observed in individual(s) with biotinidase deficiency (PMID: 20224900; internal data). In at least one individual the data is consistent with being in trans (on the opposite chromosome) from a pathogenic variant. ClinVar contains an entry for this variant (Variation ID: 2070102). Invitae Evidence Modeling of protein sequence and biophysical properties (such as structural, functional, and spatial information, amino acid conservation, physicochemical variation, residue mobility, and thermodynamic stability) indicates that this missense variant is expected to disrupt BTD protein function with a positive predictive value of 95%. For these reasons, this variant has been classified as Pathogenic.

First Genomix Gene Laboratory, Genetic Diagnostics Department
Classification: Likely pathogenic for Biotinidase deficiency. Last evaluated: 2025-03-26. Review status: criteria provided, single submitter. Criteria: ACMG Guidelines, 2015. Collection method: clinical testing. Allele origin: germline. Inheritance: Autosomal recessive inheritance. Affected: no. Observed: 1 variant allele.

Dubai Health Genomic Medicine Center, Dubai Health
Classification: Likely pathogenic for Biotinidase deficiency. Last evaluated: 2024-10-04. Review status: criteria provided, single submitter. Criteria: ACMG Guidelines, 2015. Collection method: research. Allele origin: germline. Affected: yes.
Comment: PM3,PM1,PM2,PP2

Baylor Genetics
Classification: Likely pathogenic for Biotinidase deficiency. Last evaluated: 2024-02-20. Review status: criteria provided, single submitter. Criteria: ACMG Guidelines, 2015. Collection method: clinical testing. Allele origin: unknown.

Revvity Omics, Revvity
Classification: Uncertain significance for Biotinidase deficiency. Last evaluated: 2022-05-31. Review status: criteria provided, single submitter. Criteria: ACMG Guidelines, 2015. Collection method: clinical testing. Allele origin: germline.

Literature cited by the submitters: PubMed 33123633 (cited by Natera, Inc.); PubMed 20224900 (cited by Natera, Inc. and Labcorp Genetics (formerly Invitae), Labcorp).

NM_001370658.1(BTD):c.545A>T (p.Asn182Ile)

Gene: BTD (biotinidase; plus strand). Cytogenetic location: 3p25.1.
Variant type: single nucleotide variant.
Coding change: c.545A>T on transcript NM_001370658.1 (MANE Select); coding-DNA position 545, A replaced by T.
Protein change: p.Asn182Ile; replaces asparagine 182 with isoleucine.
Molecular consequence: missense variant. On other transcripts: intron variant (1).
Genome position (GRCh38, 1-based): chr3:15,644,461, A>T. VCF-style: chr3-15644461-A-T. GRCh37 (hg19) VCF-style: chr3-15685968-A-T.
Other names: c.605A>T, p.Asn202Ile (NM_000060.4); c.545A>T, p.Asn182Ile (NM_001281723.4, NM_001281724.3, NM_001281725.3 and 18 more transcripts); c.399+2404A>T (NM_001370753.1); short protein forms N182I.
Identifiers: ClinVar variation 2070102 (VCV002070102.14), dbSNP rs397514376, ClinGen allele CA278237.